The following is an entry in ClinVar:

ClinVar aggregate classification (germline): Uncertain significance. Review status: criteria provided, multiple submitters, no conflicts (2 of 4 stars). 3 submissions from 3 submitters: Uncertain significance (3). Last evaluated 2025-11-19.

Conditions:
Epidermolysis bullosa simplex 5B, with muscular dystrophy (EBS5B). Also called: EPIDERMOLYSIS BULLOSA SIMPLEX AND LIMB-GIRDLE MUSCULAR DYSTROPHY; Epidermolysis bullosa simplex with muscular dystrophy. Identifiers: Orphanet 257, MedGen C2931072, MONDO:0009181, OMIM 226670.
Epidermolysis bullosa simplex, Ogna type (EBS5A). Also called: EPIDERMOLYSIS BULLOSA SIMPLEX 5A, OGNA TYPE; Pidermolysis bullosa simplex 5A, Ogna type. Identifiers: Orphanet 79401, MedGen C0432317, MONDO:0007555, OMIM 131950.
Epidermolysis bullosa simplex 5C, with pyloric atresia (EBS5C). Also called: Epidermolysis bullosa simplex with pyloric atresia; PLEC-Related Epidermolysis Bullosa with Pyloric Atresia; PLEC1-Related Epidermolysis Bullosa with Pyloric Atresia. Identifiers: Orphanet 158684, MedGen C2677349, MONDO:0012807, OMIM 612138.
Autosomal recessive limb-girdle muscular dystrophy type 2Q (LGMDR17). Also called: MUSCULAR DYSTROPHY, LIMB-GIRDLE, AUTOSOMAL RECESSIVE 17. Identifiers: Orphanet 254361, MedGen C3150989, MONDO:0013390, OMIM 613723.
Epidermolysis bullosa simplex with nail dystrophy (EBS5D). Identifiers: MedGen C4225309, MONDO:0014661, OMIM 616487.
Inborn genetic diseases. Identifiers: MedGen C0950123, MeSH D030342.

Allele frequency attached by ClinVar (database versions not stated): TOPMed 0.00002; gnomAD 0.00006 and 0.00007; ExAC 0.00012; gnomAD exomes 0.00013.
gnomAD v4.1: 79 of 1,611,934 alleles (0.0049%); highest among the groups gnomAD compares: South Asian, 0.03%; no homozygotes.

Submissions (3):

Ambry Genetics
Classification: Uncertain significance for Inborn genetic diseases. Last evaluated: 2025-11-19. Review status: criteria provided, single submitter. Criteria: Ambry Variant Classification Scheme 2023. Collection method: clinical testing. Allele origin: germline.

Labcorp Genetics (formerly Invitae), Labcorp
Classification: Uncertain significance for Autosomal recessive limb-girdle muscular dystrophy type 2Q; Epidermolysis bullosa simplex, Ogna type; Epidermolysis bullosa simplex with nail dystrophy; Epidermolysis bullosa simplex 5C, with pyloric atresia; Epidermolysis bullosa simplex 5B, with muscular dystrophy. Last evaluated: 2025-06-04. Review status: criteria provided, single submitter. Criteria: Invitae Variant Classification Sherloc (09022015). Collection method: clinical testing. Allele origin: germline.
Comment: This sequence change replaces alanine, which is neutral and non-polar, with threonine, which is neutral and polar, at codon 652 of the PLEC protein (p.Ala652Thr). This variant is present in population databases (rs782673175, gnomAD 0.08%). This variant has not been reported in the literature in individuals affected with PLEC-related conditions. ClinVar contains an entry for this variant (Variation ID: 1017439). Invitae Evidence Modeling of protein sequence and biophysical properties (such as structural, functional, and spatial information, amino acid conservation, physicochemical variation, residue mobility, and thermodynamic stability) has been performed for this missense variant. However, the output from this modeling did not meet the statistical confidence thresholds required to predict the impact of this variant on PLEC protein function. In summary, the available evidence is currently insufficient to determine the role of this variant in disease. Therefore, it has been classified as a Variant of Uncertain Significance.

Revvity Omics, Revvity
Classification: Uncertain significance. Last evaluated: 2022-06-02. Review status: criteria provided, single submitter. Criteria: ACMG Guidelines, 2015. Collection method: clinical testing. Allele origin: germline.

NM_201384.3(PLEC):c.1873G>A (p.Ala625Thr)

Gene: PLEC (plectin; minus strand). Cytogenetic location: 8q24.3.
Variant type: single nucleotide variant.
Coding change: c.1873G>A on transcript NM_201384.3 (MANE Select); coding-DNA position 1873, G replaced by A.
Protein change: p.Ala625Thr; replaces alanine 625 with threonine.
Molecular consequence: missense variant.
Genome position (GRCh38, 1-based): chr8:143,932,504, C>T on the plus strand (G>A on the coding strand, the complement: PLEC is on the minus strand). VCF-style: chr8-143932504-C-T. GRCh37 (hg19) VCF-style: chr8-145006672-C-T.
Other names: c.1954G>A, p.Ala652Thr (NM_000445.5); c.1831G>A, p.Ala611Thr (NM_201378.4); c.1807G>A, p.Ala603Thr (NM_201379.3); c.2284G>A, p.Ala762Thr (NM_201380.4); c.1777G>A, p.Ala593Thr (NM_201381.3); c.1873G>A, p.Ala625Thr (NM_201382.4); c.1885G>A, p.Ala629Thr (NM_201383.3); c.1954G>A (NM_000445.3); short protein forms A593T, A603T, A611T, A625T, A629T, A652T, A762T.
Identifiers: ClinVar variation 1017439 (VCV001017439.11), dbSNP rs782673175, ClinGen allele CA4927809.